The following is an entry in ClinVar:

ClinVar aggregate classification (germline): Benign/Likely benign. Review status: criteria provided, multiple submitters, no conflicts (2 of 4 stars). 4 submissions from 4 submitters: Benign (1); Likely benign (3). Last evaluated 2026-04-09.

Conditions:
Cardiovascular phenotype. Identifiers: MedGen CN230736.
Cardiomyopathy (CMYO). Also called: Cardiomyopathies. Identifiers: Orphanet 167848, MedGen C0878544, MONDO:0004994, HP:0001638. Inheritance: Various modes of inheritance.
Arrhythmogenic cardiomyopathy with wooly hair and keratoderma. Also called: PALMOPLANTAR KERATODERMA WITH LEFT VENTRICULAR CARDIOMYOPATHY AND WOOLLY HAIR; Dilated cardiomyopathy with woolly hair and keratoderma; Carvajal syndrome; Arrhythmogenic cardiomyopathy with woolly hair and keratoderma. Identifiers: Orphanet 65282, MedGen C1854063, MONDO:0011581, OMIM 605676.
Arrhythmogenic right ventricular dysplasia 8 (ARVD8). Also called: Arrhythmogenic Right Ventricular Dysplasia/Cardiomyopathy 8; ARRHYTHMOGENIC RIGHT VENTRICULAR CARDIOMYOPATHY 8; ARRHYTHMOGENIC RIGHT VENTRICULAR DYSPLASIA, FAMILIAL, 8. Identifiers: MedGen C1843896, MONDO:0011831, OMIM 607450.

Allele frequency attached by ClinVar (database versions not stated): TOPMed below 0.00001; gnomAD exomes 0.00001.
gnomAD v4.1: 22 of 1,612,786 alleles (0.0014%); highest among the groups gnomAD compares: South Asian, 0.022%; no homozygotes.

Submissions (4):

Ambry Genetics
Classification: Likely benign for Cardiovascular phenotype. Last evaluated: 2026-04-09. Review status: criteria provided, single submitter. Criteria: Ambry Variant Classification Scheme 2023. Collection method: clinical testing. Allele origin: germline.

Labcorp Genetics (formerly Invitae), Labcorp
Classification: Benign for Arrhythmogenic cardiomyopathy with wooly hair and keratoderma; Arrhythmogenic right ventricular dysplasia 8. Last evaluated: 2025-12-08. Review status: criteria provided, single submitter. Criteria: Invitae Variant Classification Sherloc (09022015). Collection method: clinical testing. Allele origin: germline.

Color Diagnostics, LLC DBA Color Health
Classification: Likely benign for Cardiomyopathy. Last evaluated: 2021-12-07. Review status: criteria provided, single submitter. Criteria: ACMG Guidelines, 2015. Collection method: clinical testing. Allele origin: germline.

GeneDx
Classification: Likely benign. Last evaluated: 2016-11-15. Review status: criteria provided, single submitter. Criteria: GeneDx Variant Classification (06012015). Collection method: clinical testing. Allele origin: germline. Affected: yes.
Comment: This variant is considered likely benign or benign based on one or more of the following criteria: it is a conservative change, it occurs at a poorly conserved position in the protein, it is predicted to be benign by multiple in silico algorithms, and/or has population frequency not consistent with disease.

NM_004415.4(DSP):c.5257A>C (p.Arg1753=)

Gene: DSP (desmoplakin; plus strand). Cytogenetic location: 6p24.3.
Variant type: single nucleotide variant.
Coding change: c.5257A>C on transcript NM_004415.4 (MANE Select); coding-DNA position 5257, A replaced by C.
Protein change: p.Arg1753=; no amino-acid change (arginine 1753 retained).
Molecular consequence: synonymous variant. On other transcripts: intron variant (2).
Genome position (GRCh38, 1-based): chr6:7,581,447, A>C. VCF-style: chr6-7581447-A-C. GRCh37 (hg19) VCF-style: chr6-7581680-A-C.
Other names: c.5257A>C (LRG_423t1); c.4051-1195A>C (NM_001319034.2); c.3583-1195A>C (NM_001008844.3).
Identifiers: ClinVar variation 390778 (VCV000390778.6), dbSNP rs775072446, ClinGen allele CA044407.
Genomic context (GRCh38, chr6:7,581,447, plus strand): 5'-GACCTGAGGAGAGGACGAAGCGAAGCGGACAGTGATAAAAATGCAACCATCTTGGAACTA[A>C]GGAGCCAGCTGCAGATCAGCAACAACCGGACCCTGGAACTGCAGGGGCTGATTAATGATT-3'
Protein context (NP_004406.2, residues 1743-1763): SDKNATILEL[Arg1753=]SQLQISNNRT